The following is an entry in ClinVar:

ClinVar aggregate classification (germline): Likely benign. Review status: criteria provided, multiple submitters, no conflicts (2 of 4 stars). 6 submissions from 6 submitters: Likely benign (6). Last evaluated 2026-06-23.

Conditions:
PLEKHG5-related disorder. Also called: PLEKHG5-related condition.
Inborn genetic diseases. Identifiers: MedGen C0950123, MeSH D030342.
Charcot-Marie-Tooth disease recessive intermediate C. Also called: CHARCOT-MARIE-TOOTH NEUROPATHY, RECESSIVE INTERMEDIATE C. Identifiers: Orphanet 369867, MedGen C3809309, MONDO:0014154, OMIM 615376.
Neuronopathy, distal hereditary motor, autosomal recessive 4. Also called: Autosomal recessive lower motor neuron disease with childhood onset; NEUROPATHY, DISTAL HEREDITARY MOTOR, AUTOSOMAL RECESSIVE 4. Identifiers: Orphanet 206580, MedGen C1970211, MONDO:0012608, OMIM 611067.

Allele frequency attached by ClinVar (database versions not stated): gnomAD exomes 0.00007 and 0.00022; ExAC 0.00029; ESP Exome Variant Server 0.00063; gnomAD 0.00082 and 0.00091; TOPMed 0.00087; 1000 Genomes Project 0.00100; 1000 Genomes Project 30x 0.00125.
gnomAD v4.1: 221 of 1,569,610 alleles (0.014%); highest among the groups gnomAD compares: African/African-American, 0.27%; 1 homozygote.

Submissions (6):

Women's Health and Genetics/Laboratory Corporation of America, LabCorp
Classification: Likely benign. Last evaluated: 2026-06-23. Review status: criteria provided, single submitter. Criteria: LabCorp Variant Classification Summary - May 2015. Collection method: clinical testing. Allele origin: germline.
Comment: Variant summary: PLEKHG5 c.2677G>A (p.Gly893Arg) results in a non-conservative amino acid change in the encoded protein sequence. Algorithms developed to predict the effect of missense changes on protein structure and function are either unavailable or do not agree on the potential impact of this missense change. The variant allele was found at a frequency of 0.00022 in 207190 control chromosomes, predominantly at a frequency of 0.0029 within the African or African-American subpopulation in the gnomAD database. The observed variant frequency within African or African-American control individuals in the gnomAD database exceeds the estimated maximal expected allele frequency for disease-causing variants in PLEKHG5. To our knowledge, no occurrence of c.2677G>A in individuals affected with PLEKHG5-related conditions and no experimental evidence demonstrating its impact on protein function have been reported. ClinVar contains an entry for this variant (Variation ID: 393217). Based on the evidence outlined above, the variant was classified as likely benign.

Labcorp Genetics (formerly Invitae), Labcorp
Classification: Likely benign for Neuronopathy, distal hereditary motor, autosomal recessive 4; Charcot-Marie-Tooth disease recessive intermediate C. Last evaluated: 2026-01-24. Review status: criteria provided, single submitter. Criteria: Invitae Variant Classification Sherloc (09022015). Collection method: clinical testing. Allele origin: germline.

PreventionGenetics, part of Exact Sciences
Classification: Likely benign for PLEKHG5-related condition. Last evaluated: 2025-04-25. Review status: criteria provided, single submitter. Criteria: ACMG Guidelines, 2015. Collection method: clinical testing. Allele origin: germline.
Comment: This variant is classified as likely benign based on ACMG/AMP sequence variant interpretation guidelines (Richards et al. 2015 PMID: 25741868, with internal and published modifications).

GeneDx
Classification: Likely benign. Last evaluated: 2020-10-22. Review status: criteria provided, single submitter. Criteria: GeneDx Variant Classification Process June 2021. Collection method: clinical testing. Allele origin: germline. Affected: yes.

Ambry Genetics
Classification: Likely benign for Inborn genetic diseases. Last evaluated: 2019-12-28. Review status: criteria provided, single submitter. Criteria: Ambry Variant Classification Scheme 2023. Collection method: clinical testing. Allele origin: germline.

Breakthrough Genomics
Classification: Likely benign. Review status: criteria provided, single submitter. Criteria: ACMG Guidelines, 2015. Collection method: not provided. Allele origin: germline. Inheritance: Autosomal recessive inheritance. Affected: yes.

NM_020631.6(PLEKHG5):c.2677G>A (p.Gly893Arg)

Gene: PLEKHG5 (pleckstrin homology and RhoGEF domain containing G5; minus strand). Cytogenetic location: 1p36.31.
Variant type: single nucleotide variant.
Coding change: c.2677G>A on transcript NM_020631.6 (MANE Select); coding-DNA position 2677, G replaced by A.
Protein change: p.Gly893Arg; replaces glycine 893 with arginine.
Molecular consequence: missense variant.
Genome position (GRCh38, 1-based): chr1:6,468,159, C>T on the plus strand (G>A on the coding strand, the complement: PLEKHG5 is on the minus strand). VCF-style: chr1-6468159-C-T. GRCh37 (hg19) VCF-style: chr1-6528219-C-T.
Other names: c.2788G>A, p.Gly930Arg (NM_001042663.3, NM_001265592.2); c.2677G>A, p.Gly893Arg (NM_001042664.2, NM_001042665.2, NM_001265594.3 and 1 more transcripts); c.2884G>A, p.Gly962Arg (NM_001265593.2); short protein forms G893R, G962R, G930R.
Identifiers: ClinVar variation 393217 (VCV000393217.19), dbSNP rs200407689, ClinGen allele CA561111.